The following is an entry in ClinVar:

ClinVar aggregate classification (germline): Uncertain significance. Review status: criteria provided, multiple submitters, no conflicts (2 of 4 stars). 5 submissions from 5 submitters: Uncertain significance (5). Last evaluated 2026-07-15.

Conditions:
OTOG-related disorder. Also called: OTOG-related condition.

Allele frequency attached by ClinVar (database versions not stated): TOPMed 0.00010; gnomAD 0.00013; ExAC 0.00030.

Submissions (5):

PreventionGenetics, part of Exact Sciences
Classification: Uncertain significance for OTOG-related condition. Last evaluated: 2026-07-15. Review status: criteria provided, single submitter. Criteria: ACMG Guidelines, 2015. Collection method: clinical testing. Allele origin: germline.
Comment: The OTOG c.274G>A variant is predicted to result in the amino acid substitution p.Val92Met. To our knowledge, this variant has not been reported in the literature. This variant is reported in 0.049% of alleles in individuals of South Asian descent in gnomAD. At this time, the clinical significance of this variant is uncertain due to the absence of conclusive functional and genetic evidence.

Labcorp Genetics (formerly Invitae), Labcorp
Classification: Uncertain significance. Last evaluated: 2026-01-09. Review status: criteria provided, single submitter. Criteria: Invitae Variant Classification Sherloc (09022015). Collection method: clinical testing. Allele origin: germline.
Comment: This sequence change replaces valine, which is neutral and non-polar, with methionine, which is neutral and non-polar, at codon 92 of the OTOG protein (p.Val92Met). This variant is present in population databases (rs764706873, gnomAD 0.05%). This variant has not been reported in the literature in individuals affected with OTOG-related conditions. ClinVar contains an entry for this variant (Variation ID: 2577823). An algorithm developed to predict the effect of missense changes on protein structure and function (PolyPhen-2) suggests that this variant is likely to be tolerated. In summary, the available evidence is currently insufficient to determine the role of this variant in disease. Therefore, it has been classified as a Variant of Uncertain Significance.

GeneDx
Classification: Uncertain significance. Last evaluated: 2025-04-21. Review status: criteria provided, single submitter. Criteria: GeneDx Variant Classification Process June 2021. Collection method: clinical testing. Allele origin: germline.
Comment: In silico analysis indicates that this missense variant does not alter protein structure/function; Has not been previously published as pathogenic or benign to our knowledge

Blueprint Genetics
Classification: Uncertain significance. Last evaluated: 2024-09-30. Review status: criteria provided, single submitter. Criteria: ACMG Guidelines, 2015. Collection method: clinical testing. Allele origin: germline.

CeGaT Center for Human Genetics Tuebingen
Classification: Uncertain significance. Last evaluated: 2023-08-01. Review status: criteria provided, single submitter. Criteria: CeGaT Center For Human Genetics Tuebingen Variant Classification Criteria Version 2. Collection method: clinical testing. Allele origin: germline. Affected: yes. Observed: 1 variant allele.
Comment: OTOG: PM2, BP4

NM_001292063.2(OTOG):c.238G>A (p.Val80Met)

Gene: OTOG (otogelin; plus strand). Cytogenetic location: 11p15.1.
Variant type: single nucleotide variant.
Coding change: c.238G>A on transcript NM_001292063.2 (MANE Select); coding-DNA position 238, G replaced by A.
Protein change: p.Val80Met; replaces valine 80 with methionine.
Molecular consequence: missense variant.
Genome position (GRCh38, 1-based): chr11:17,552,021, G>A. VCF-style: chr11-17552021-G-A. GRCh37 (hg19) VCF-style: chr11-17573568-G-A.
Other names: c.274G>A, p.Val92Met (NM_001277269.2); short protein forms V80M, V92M.
Identifiers: ClinVar variation 2577823 (VCV002577823.29), dbSNP rs764706873, ClinGen allele CA5905326.